The following is an entry in ClinVar:

ClinVar aggregate classification (germline): Pathogenic. Review status: criteria provided, multiple submitters, no conflicts (2 of 4 stars). 2 submissions from 2 submitters: Pathogenic (2). Last evaluated 2023-03-01.

Conditions:
Retinal dystrophy. Also called: Inherited retinal dystrophy. Identifiers: Orphanet 71862, MedGen C0854723, MeSH D058499, MONDO:0019118, HP:0000556.

Allele frequency attached by ClinVar (database versions not stated): gnomAD exomes below 0.00001.

Submissions (2):

Labcorp Genetics (formerly Invitae), Labcorp
Classification: Pathogenic. Last evaluated: 2023-03-01. Review status: criteria provided, single submitter. Criteria: Invitae Variant Classification Sherloc (09022015). Collection method: clinical testing. Allele origin: germline.
Comment: For these reasons, this variant has been classified as Pathogenic. This premature translational stop signal has been observed in individual(s) with autosomal recessive bestrophinopathy (PMID: 33302512). This variant is not present in population databases (gnomAD no frequency). This sequence change creates a premature translational stop signal (p.Ser175Thrfs*19) in the BEST1 gene. It is expected to result in an absent or disrupted protein product. Loss-of-function variants in BEST1 are known to be pathogenic (PMID: 21825197).

Institute of Human Genetics, Univ. Regensburg, Univ. Regensburg
Classification: Pathogenic for Retinal dystrophy. Last evaluated: 2017-01-01. Review status: criteria provided, single submitter. Criteria: ACMG Guidelines, 2015. Collection method: clinical testing. Allele origin: germline. Affected: yes.

Literature cited by the submitters: PubMed 33302512 (cited by Labcorp Genetics (formerly Invitae), Labcorp and Institute of Human Genetics, Univ. Regensburg, Univ. Regensburg); PubMed 21825197 (cited by Labcorp Genetics (formerly Invitae), Labcorp).

NM_004183.4(BEST1):c.524del (p.Ser175fs)

Gene: BEST1 (bestrophin 1; plus strand). Cytogenetic location: 11q12.3.
Variant type: Deletion.
Coding change: c.524del on transcript NM_004183.4 (MANE Select); coding-DNA position 524, one base deleted (G; older notation c.524delG).
Protein change: p.Ser175fs; shifts the reading frame from serine 175.
Molecular consequence: frameshift variant. On other transcripts: non-coding transcript variant (1).
Genome position (GRCh38, 1-based): chr11:61,956,886, G deleted. VCF-style (leftmost placement, unchanged base first): chr11-61956885-AG-A. GRCh37 (hg19) VCF-style: chr11-61724357-AG-A.
Other names: c.344delG, p.Ser115Thrfs (NM_001139443.3); c.344del, p.Ser115fs (NM_001300786.2, NM_001300787.2); c.206delG, p.Ser69Thrfs (NM_001363591.3); c.524delG, p.Ser175Thrfs (NM_001363592.2); c.-652delG (NM_001363593.3); short protein forms S175fs, S115fs, S69fs.
Identifiers: ClinVar variation 2963132 (VCV002963132.4), dbSNP rs2541372043, ClinGen allele CA2613926666.